The following is an entry in ClinVar:

ClinVar aggregate classification (germline): Uncertain significance. Review status: criteria provided, multiple submitters, no conflicts (2 of 4 stars). 2 submissions from 2 submitters: Uncertain significance (2). Last evaluated 2024-12-27.

Conditions:
Hereditary cancer-predisposing syndrome. Also called: Tumor predisposition; Neoplastic Syndromes, Hereditary; Hereditary Cancer Syndrome; Hereditary neoplastic syndrome. Identifiers: Orphanet 140162, MedGen C0027672, MeSH D009386, MONDO:0015356.
Tuberous sclerosis 2 (TSC2). Identifiers: Orphanet 805, MedGen C1860707, MONDO:0013199, OMIM 613254.

gnomAD v4.1: 1 of 1,612,838 alleles (0.000062%); highest among the groups gnomAD compares: Non-Finnish European, 0.000085%; no homozygotes.

Submissions (2):

Labcorp Genetics (formerly Invitae), Labcorp
Classification: Uncertain significance for Tuberous sclerosis 2. Last evaluated: 2024-12-27. Review status: criteria provided, single submitter. Criteria: Invitae Variant Classification Sherloc (09022015). Collection method: clinical testing. Allele origin: germline.
Comment: This sequence change replaces glutamic acid, which is acidic and polar, with aspartic acid, which is acidic and polar, at codon 1757 of the TSC2 protein (p.Glu1757Asp). This variant is not present in population databases (gnomAD no frequency). This variant has not been reported in the literature in individuals affected with TSC2-related conditions. ClinVar contains an entry for this variant (Variation ID: 406110). Invitae Evidence Modeling of protein sequence and biophysical properties (such as structural, functional, and spatial information, amino acid conservation, physicochemical variation, residue mobility, and thermodynamic stability) indicates that this missense variant is not expected to disrupt TSC2 protein function with a negative predictive value of 95%. In summary, the available evidence is currently insufficient to determine the role of this variant in disease. Therefore, it has been classified as a Variant of Uncertain Significance.

Ambry Genetics
Classification: Uncertain significance for Hereditary cancer-predisposing syndrome. Last evaluated: 2024-02-02. Review status: criteria provided, single submitter. Criteria: Ambry Variant Classification Scheme 2023. Collection method: clinical testing. Allele origin: germline.
Comment: The p.E1757D variant (also known as c.5271A>C), located in coding exon 41 of the TSC2 gene, results from an A to C substitution at nucleotide position 5271. The glutamic acid at codon 1757 is replaced by aspartic acid, an amino acid with highly similar properties. This amino acid position is conserved. In addition, the in silico prediction for this alteration is inconclusive. Based on the available evidence, the clinical significance of this alteration remains unclear.

NM_000548.5(TSC2):c.5271A>C (p.Glu1757Asp)

Gene: TSC2 (TSC complex subunit 2; plus strand). Cytogenetic location: 16p13.3.
Variant type: single nucleotide variant.
Coding change: c.5271A>C on transcript NM_000548.5 (MANE Select); coding-DNA position 5271, A replaced by C.
Protein change: p.Glu1757Asp; replaces glutamic acid 1757 with aspartic acid.
Molecular consequence: missense variant.
Genome position (GRCh38, 1-based): chr16:2,088,457, A>C. VCF-style: chr16-2088457-A-C. GRCh37 (hg19) VCF-style: chr16-2138458-A-C.
Other names: c.5070A>C, p.Glu1690Asp (NM_001077183.3); c.5202A>C, p.Glu1734Asp (NM_001114382.3); c.4962A>C, p.Glu1654Asp (NM_001318827.2); c.4926A>C, p.Glu1642Asp (NM_001318829.2); c.4539A>C, p.Glu1513Asp (NM_001318831.2); c.5103A>C, p.Glu1701Asp (NM_001318832.2); c.5073A>C, p.Glu1691Asp (NM_001363528.2); c.5139A>C, p.Glu1713Asp (NM_001370404.1); and 2 more; short protein forms E1757D, E1710D, E1734D, E1513D, E1642D, E1690D, E1691D, E1654D.
Identifiers: ClinVar variation 406110 (VCV000406110.8), dbSNP rs1060500967, ClinGen allele CA16614803.